The following is an entry in ClinVar:

ClinVar aggregate classification (germline): Benign. Review status: criteria provided, multiple submitters, no conflicts (2 of 4 stars). 2 submissions from 2 submitters: Benign (2). Last evaluated 2026-07-01.

Allele frequency attached by ClinVar (database versions not stated): ESP Exome Variant Server 0.00052; 1000 Genomes Project 0.00240.
gnomAD v4.1: 2,070 of 764,972 alleles (0.27%); highest among the groups gnomAD compares: East Asian, 0.4%; 22 homozygotes.

Submissions (2):

CeGaT Center for Human Genetics Tuebingen
Classification: Benign. Last evaluated: 2026-07-01. Review status: criteria provided, single submitter. Criteria: CeGaT Center For Human Genetics Tuebingen Variant Classification Criteria Version 2. Collection method: clinical testing. Allele origin: germline. Affected: yes. Observed: 7 variant alleles.
Comment: SNORD118: BS1, BS2

Labcorp Genetics (formerly Invitae), Labcorp
Classification: Benign. Last evaluated: 2025-12-03. Review status: criteria provided, single submitter. Criteria: Invitae Variant Classification Sherloc (09022015). Collection method: clinical testing. Allele origin: germline.

NR_033294.2(SNORD118):n.106C>G

Genes: SNORD118 (small nucleolar RNA, C/D box 118; minus strand), TMEM107 (transmembrane protein 107; minus strand). Cytogenetic location: 17p13.1.
Variant type: single nucleotide variant.
Molecular consequence: non-coding transcript variant (on NR_033294.2). On other transcripts: 3 prime UTR variant (5).
Genome position: GRCh38 VCF-style: chr17-8173483-G-C. GRCh37 (hg19) VCF-style: chr17-8076801-G-C.
Other names: c.*720C>G (NM_001351278.2, NM_001351279.2, NM_001351280.2 and 2 more transcripts).
Identifiers: ClinVar variation 1672119 (VCV001672119.32), dbSNP rs141568482, ClinGen allele CA8370619.
Genomic context (GRCh38, chr17:8,173,483, plus strand): 5'-ATAACACAAATGTAAGTGATCGTCAGAAAGAATCAGACAGGAGCAATCAGGGTGTTGCAA[G>C]TCCTGATTACGCAGAGACGTTAATCACGTTTCATGCATCTCCAATCATCATGTTCTAATC-3'